The following is an entry in ClinVar:

ClinVar aggregate classification (germline): Uncertain significance (1 of 4 stars; one submission).

Conditions:
RPGRIP1L-related disorder. Also called: RPGRIP1L-related disorders; RPGRIP1L-related condition. Identifiers: MedGen CN239416.

Submission:

PreventionGenetics, part of Exact Sciences
Classification: Uncertain significance for RPGRIP1L-related condition. Last evaluated: 2024-10-24. Review status: criteria provided, single submitter. Criteria: ACMG Guidelines, 2015. Collection method: clinical testing. Allele origin: germline.
Comment: The RPGRIP1L c.1511A>G variant is predicted to result in the amino acid substitution p.Glu504Gly. To our knowledge, this variant has not been reported in the literature or in a large population database (gnomAD), indicating this variant is rare. At this time, the clinical significance of this variant is uncertain due to the absence of conclusive functional and genetic evidence.

NM_015272.5(RPGRIP1L):c.1511A>G (p.Glu504Gly)

Gene: RPGRIP1L (RPGRIP1 like; minus strand). Cytogenetic location: 16q12.2.
Variant type: single nucleotide variant.
Coding change: c.1511A>G on transcript NM_015272.5 (MANE Select); coding-DNA position 1511, A replaced by G.
Protein change: p.Glu504Gly; replaces glutamic acid 504 with glycine.
Molecular consequence: missense variant.
Genome position (GRCh38, 1-based): chr16:53,657,523, T>C on the plus strand (A>G on the coding strand, the complement: RPGRIP1L is on the minus strand). VCF-style: chr16-53657523-T-C. GRCh37 (hg19) VCF-style: chr16-53691435-T-C.
Other names: c.1511A>G, p.Glu504Gly (NM_001127897.4, NM_001308334.3, NM_001330538.2); short protein forms E504G.
Identifiers: ClinVar variation 4999274 (VCV004999274.1).
Genomic context (GRCh38, chr16:53,657,523, plus strand): 5'-TTATTAATTTTGTGTTGCATAATTAGCATGTTTCTTGTCTTTTCCAGCTCTTGCACCGTT[T>C]CTGCATGAGTTGCTTGCAGCTCTCTCATAGAGCGTTCTAGATCTTTATTAATTTCACTAT-3'
Protein context (NP_056087.2, residues 494-514): SMRELQATHA[Glu504Gly]TVQELEKTRN